The following is an entry in ClinVar:

NM_001004067.4(NOMO3):c.736-6G>A

Gene: NOMO3 (NODAL modulator 3; plus strand). Cytogenetic location: 16p13.11.
Variant type: single nucleotide variant.
Coding change: c.736-6G>A on transcript NM_001004067.4 (MANE Select); 6 bases into the intron before coding-DNA position 736, G replaced by A.
Molecular consequence: intron variant.
Genome position (GRCh38, 1-based): chr16:16,251,957, G>A. VCF-style: chr16-16251957-G-A. GRCh37 (hg19) VCF-style: chr16-16345814-G-A.
Identifiers: ClinVar variation 3778393 (VCV003778393.7).

ClinVar aggregate classification (germline): Uncertain significance (1 of 4 stars; one submission).

Submission:

CeGaT Center for Human Genetics Tuebingen
Classification: Uncertain significance. Last evaluated: 2025-03-01. Review status: criteria provided, single submitter. Criteria: CeGaT Center For Human Genetics Tuebingen Variant Classification Criteria Version 2. Collection method: clinical testing. Allele origin: germline. Affected: yes. Observed: 1 variant allele.
Comment: NOMO3: PM2, BP4